The following is an entry in ClinVar:

ClinVar aggregate classification (germline): Uncertain significance (1 of 4 stars; one submission).

Conditions:
Hereditary sensory and autonomic neuropathy type 6. Also called: Neuropathy, hereditary sensory and autonomic, type VI; HSAN VI. Identifiers: Orphanet 314381, MedGen C3539003, MONDO:0013839, OMIM 614653.
Epidermolysis bullosa simplex 3, localized or generalized intermediate, with BP230 deficiency (EBS3). Also called: Epidermolysis bullosa simplex, autosomal recessive 2; Epidermolysis bullosa simplex due to BP230 deficiency. Identifiers: Orphanet 412181, MedGen C3809470, MONDO:0014180, OMIM 615425.

Allele frequency attached by ClinVar (database versions not stated): TOPMed below 0.00001.

Submission:

Labcorp Genetics (formerly Invitae), Labcorp
Classification: Uncertain significance for Epidermolysis bullosa simplex 3, localized or generalized intermediate, with BP230 deficiency; Hereditary sensory and autonomic neuropathy type 6. Last evaluated: 2022-05-14. Review status: criteria provided, single submitter. Criteria: Invitae Variant Classification Sherloc (09022015). Collection method: clinical testing. Allele origin: germline.
Comment: In summary, the available evidence is currently insufficient to determine the role of this variant in disease. Therefore, it has been classified as a Variant of Uncertain Significance. Algorithms developed to predict the effect of missense changes on protein structure and function (SIFT, PolyPhen-2, Align-GVGD) all suggest that this variant is likely to be disruptive. This variant has not been reported in the literature in individuals affected with DST-related conditions. This variant is not present in population databases (gnomAD no frequency). This sequence change replaces arginine, which is basic and polar, with glycine, which is neutral and non-polar, at codon 1061 of the DST protein (p.Arg1061Gly).

NM_001374736.1(DST):c.4792C>G (p.Arg1598Gly)

Gene: DST (dystonin; minus strand). Cytogenetic location: 6p12.1.
Variant type: single nucleotide variant.
Coding change: c.4792C>G on transcript NM_001374736.1 (MANE Select); coding-DNA position 4792, C replaced by G.
Protein change: p.Arg1598Gly; replaces arginine 1598 with glycine.
Molecular consequence: missense variant.
Genome position (GRCh38, 1-based): chr6:56,625,195, G>C on the plus strand (C>G on the coding strand, the complement: DST is on the minus strand). VCF-style: chr6-56625195-G-C. GRCh37 (hg19) VCF-style: chr6-56489993-G-C.
Other names: c.4693C>G, p.Arg1565Gly (NM_001144769.5); c.4279C>G, p.Arg1427Gly (NM_001144770.2); c.4792C>G, p.Arg1598Gly (NM_001374722.1); c.4159C>G, p.Arg1387Gly (NM_001374729.1, NM_001374730.1, NM_001386100.1 and 1 more transcripts); c.4819C>G, p.Arg1607Gly (NM_001374734.1); c.3181C>G, p.Arg1061Gly (NM_001723.7, NM_015548.5); short protein forms R1061G, R1387G, R1427G, R1565G, R1598G, R1607G.
Identifiers: ClinVar variation 2422465 (VCV002422465.8), dbSNP rs1188417345, ClinGen allele CA364572754.